The following is an entry in ClinVar:

NM_003579.4(RAD54L):c.2074C>T (p.Pro692Ser)

Genes: LRRC41 (leucine rich repeat containing 41; minus strand), RAD54L (RAD54 like; plus strand). Cytogenetic location: 1p34.1.
Variant type: single nucleotide variant.
Coding change: c.2074C>T on transcript NM_003579.4 (MANE Select); coding-DNA position 2074, C replaced by T.
Protein change: p.Pro692Ser; replaces proline 692 with serine.
Molecular consequence: missense variant. On other transcripts: 3 prime UTR variant (1).
Genome position (GRCh38, 1-based): chr1:46,278,112, C>T. VCF-style: chr1-46278112-C-T. GRCh37 (hg19) VCF-style: chr1-46743784-C-T.
Other names: c.*753G>A (NM_006369.5); c.2074C>T, p.Pro692Ser (NM_001142548.2); c.1534C>T, p.Pro512Ser (NM_001370766.1); short protein forms P692S, P512S.
Identifiers: ClinVar variation 1785441 (VCV001785441.2), dbSNP rs2148308755, ClinGen allele CA340190977.
Genomic context (GRCh38, chr1:46,278,112, plus strand): 5'-GCTGTGCCTTCTGTCCCTAGGTTGCACTGCCGACGTTGTGTCAACAGCCGTCAGATCCGG[C>T]CACCCCCTGATGGTTCTGACTGCACTTCAGACCTGGCAGGGTGGAACCACTGCACTGATA-3'
Protein context (NP_003570.2, residues 682-702): RRCVNSRQIR[Pro692Ser]PPDGSDCTSD

ClinVar aggregate classification (germline): Uncertain significance (1 of 4 stars; one submission).

Allele frequency attached by ClinVar (database versions not stated): gnomAD exomes below 0.00001.
gnomAD v4.1: 1 of 1,613,974 alleles (0.000062%); highest among the groups gnomAD compares: South Asian, 0.0011%; no homozygotes.

Submission:

Ambry Genetics
Classification: Uncertain significance. Last evaluated: 2024-03-02. Review status: criteria provided, single submitter. Criteria: Ambry Variant Classification Scheme 2023. Collection method: clinical testing. Allele origin: germline.
Comment: The p.P692S variant (also known as c.2074C>T), located in coding exon 18 of the RAD54L gene, results from a C to T substitution at nucleotide position 2074. The proline at codon 692 is replaced by serine, an amino acid with similar properties. This amino acid position is conserved. In addition, the in silico prediction for this alteration is inconclusive. Since supporting evidence is limited at this time, the clinical significance of this alteration remains unclear.